The following is an entry in ClinVar:

ClinVar aggregate classification (germline): Uncertain significance (1 of 4 stars; one submission).

Allele frequency attached by ClinVar (database versions not stated): TOPMed 0.00002; gnomAD 0.00003; ExAC 0.00004.
gnomAD v4.1: 22 of 1,613,928 alleles (0.0014%); highest among the groups gnomAD compares: South Asian, 0.0066%; no homozygotes.

Submission:

Labcorp Genetics (formerly Invitae), Labcorp
Classification: Uncertain significance. Last evaluated: 2022-07-17. Review status: criteria provided, single submitter. Criteria: Invitae Variant Classification Sherloc (09022015). Collection method: clinical testing. Allele origin: germline.
Comment: This sequence change replaces arginine, which is basic and polar, with histidine, which is basic and polar, at codon 2110 of the LAMA1 protein (p.Arg2110His). This variant is present in population databases (rs747244723, gnomAD 0.006%). This variant has not been reported in the literature in individuals affected with LAMA1-related conditions. Algorithms developed to predict the effect of missense changes on protein structure and function are either unavailable or do not agree on the potential impact of this missense change (SIFT: "Deleterious"; PolyPhen-2: "Probably Damaging"; Align-GVGD: "Class C0"). In summary, the available evidence is currently insufficient to determine the role of this variant in disease. Therefore, it has been classified as a Variant of Uncertain Significance.

NM_005559.4(LAMA1):c.6329G>A (p.Arg2110His)

Gene: LAMA1 (laminin subunit alpha 1; minus strand). Cytogenetic location: 18p11.31.
Variant type: single nucleotide variant.
Coding change: c.6329G>A on transcript NM_005559.4 (MANE Select); coding-DNA position 6329, G replaced by A.
Protein change: p.Arg2110His; replaces arginine 2110 with histidine.
Molecular consequence: missense variant.
Genome position (GRCh38, 1-based): chr18:6,977,743, C>T on the plus strand (G>A on the coding strand, the complement: LAMA1 is on the minus strand). VCF-style: chr18-6977743-C-T. GRCh37 (hg19) VCF-style: chr18-6977742-C-T.
Other names: short protein forms R2110H.
Identifiers: ClinVar variation 2170712 (VCV002170712.1), dbSNP rs747244723, ClinGen allele CA8881289.